The following is an entry in ClinVar:

NM_007254.4(PNKP):c.560C>A (p.Thr187Asn)

Gene: PNKP (polynucleotide kinase 3'-phosphatase; minus strand). Cytogenetic location: 19q13.33.
Variant type: single nucleotide variant.
Coding change: c.560C>A on transcript NM_007254.4 (MANE Select); coding-DNA position 560, C replaced by A.
Protein change: p.Thr187Asn; replaces threonine 187 with asparagine.
Molecular consequence: missense variant.
Genome position (GRCh38, 1-based): chr19:49,864,342, G>T on the plus strand (C>A on the coding strand, the complement: PNKP is on the minus strand). VCF-style: chr19-49864342-G-T. GRCh37 (hg19) VCF-style: chr19-50367599-G-T.
Other names: short protein forms T187N.
Identifiers: ClinVar variation 4891198 (VCV004891198.1).
Genomic context (GRCh38, chr19:49,864,342, plus strand): 5'-GACTCCAGGCCTCACTCACTCCCTTGTTTTGCCTCTTATCACCTCCAGTCACTGGGGCCA[G>T]TGGGAAAGACCTTCCCAGAGCGTGTGGTGATGAGCGTCCCGTCCAGATCAAAGCCAGCCA-3'
Protein context (NP_009185.2, residues 177-197): ITTRSGKVFP[Thr187Asn]GPSDWRILYP

ClinVar aggregate classification (germline): Uncertain significance (1 of 4 stars; one submission).

gnomAD v4.1: 1 of 1,613,760 alleles (0.000062%); highest among the groups gnomAD compares: African/African-American, 0.0013%; no homozygotes.

Submission:

Greenwood Genetic Center Diagnostic Laboratories, Greenwood Genetic Center
Classification: Uncertain significance. Last evaluated: 2026-04-08. Review status: criteria provided, single submitter. Criteria: ACMG Guidelines, 2015. Collection method: clinical testing. Allele origin: germline.
Comment: PM2, BP4